The following is an entry in ClinVar:

NM_198252.3(GSN):c.239T>C (p.Phe80Ser)

Gene: GSN (gelsolin; plus strand). Cytogenetic location: 9q33.2.
Variant type: single nucleotide variant.
Coding change: c.239T>C on transcript NM_198252.3 (MANE Select); coding-DNA position 239, T replaced by C.
Protein change: p.Phe80Ser; replaces phenylalanine 80 with serine.
Molecular consequence: missense variant. On other transcripts: 5 prime UTR variant (1).
Genome position (GRCh38, 1-based): chr9:121,302,953, T>C. VCF-style: chr9-121302953-T-C. GRCh37 (hg19) VCF-style: chr9-124065231-T-C.
Other names: c.392T>C, p.Phe131Ser (NM_000177.5); c.239T>C, p.Phe80Ser (NM_001127662.2, NM_001127664.2, NM_001127665.2 and 10 more transcripts); c.347T>C, p.Phe116Ser (NM_001127663.2); c.272T>C, p.Phe91Ser (NM_001127666.2, NM_001127667.2, NM_001353063.2 and 13 more transcripts); c.290T>C, p.Phe97Ser (NM_001258029.2); c.263T>C, p.Phe88Ser (NM_001258030.2); c.311T>C, p.Phe104Ser (NM_001353076.2); c.-416T>C (NM_001353078.2); short protein forms F104S, F80S, F91S, F116S, F97S, F131S, F88S.
Identifiers: ClinVar variation 1943698 (VCV001943698.5), dbSNP rs2540569691, ClinGen allele CA374733784.

ClinVar aggregate classification (germline): Uncertain significance (1 of 4 stars; one submission).

Allele frequency attached by ClinVar (database versions not stated): gnomAD exomes 0.00001.
gnomAD v4.1: 3 of 1,614,020 alleles (0.00019%); highest among the groups gnomAD compares: Non-Finnish European, 0.00025%; no homozygotes.

Submission:

Labcorp Genetics (formerly Invitae), Labcorp
Classification: Uncertain significance. Last evaluated: 2022-10-14. Review status: criteria provided, single submitter. Criteria: Invitae Variant Classification Sherloc (09022015). Collection method: clinical testing. Allele origin: germline.
Comment: In summary, the available evidence is currently insufficient to determine the role of this variant in disease. Therefore, it has been classified as a Variant of Uncertain Significance. Algorithms developed to predict the effect of missense changes on protein structure and function are either unavailable or do not agree on the potential impact of this missense change (SIFT: "Deleterious"; PolyPhen-2: "Probably Damaging"; Align-GVGD: "Class C15"). This variant has not been reported in the literature in individuals affected with GSN-related conditions. This variant is not present in population databases (gnomAD no frequency). This sequence change replaces phenylalanine, which is neutral and non-polar, with serine, which is neutral and polar, at codon 131 of the GSN protein (p.Phe131Ser).